The following is an entry in ClinVar:

NM_004329.3(BMPR1A):c.562C>T (p.Arg188Cys)

Gene: BMPR1A (bone morphogenetic protein receptor type 1A; plus strand). Cytogenetic location: 10q23.2.
Variant type: single nucleotide variant.
Coding change: c.562C>T on transcript NM_004329.3 (MANE Select); coding-DNA position 562, C replaced by T.
Protein change: p.Arg188Cys; replaces arginine 188 with cysteine.
Molecular consequence: missense variant.
Genome position (GRCh38, 1-based): chr10:86,912,271, C>T. VCF-style: chr10-86912271-C-T. GRCh37 (hg19) VCF-style: chr10-88672028-C-T.
Other names: short protein forms R188C.
Identifiers: ClinVar variation 246466 (VCV000246466.35), dbSNP rs879254272, ClinGen allele CA10584307.

ClinVar aggregate classification (germline): Conflicting classifications of pathogenicity. Review status: criteria provided, conflicting classifications (1 of 4 stars). 11 submissions from 11 submitters: Uncertain significance (9); Likely benign (2). Last evaluated 2026-04-23.

Conditions:
Juvenile polyposis syndrome (JPS). Identifiers: Orphanet 2929, MedGen C0345893, MONDO:0017380, OMIM 174900.
Polyposis syndrome, hereditary mixed, 2. Identifiers: Orphanet 157794, MedGen C1864730, MONDO:0012405, OMIM 610069.
BMPR1A-related disorder. Also called: BMPR1A-related condition.
Hereditary cancer-predisposing syndrome. Also called: Tumor predisposition; Hereditary neoplastic syndrome; Hereditary Cancer Syndrome; Neoplastic Syndromes, Hereditary. Identifiers: Orphanet 140162, MedGen C0027672, MeSH D009386, MONDO:0015356.

Allele frequency attached by ClinVar (database versions not stated): gnomAD 0.00001; gnomAD exomes 0.00001; TOPMed 0.00001.
gnomAD v4.1: 23 of 1,613,616 alleles (0.0014%); highest among the groups gnomAD compares: South Asian, 0.0022%; no homozygotes.

Submissions (11):

Women's Health and Genetics/Laboratory Corporation of America, LabCorp
Classification: Uncertain significance. Last evaluated: 2026-04-23. Review status: criteria provided, single submitter. Criteria: LabCorp Variant Classification Summary - May 2015. Collection method: clinical testing. Allele origin: germline.
Comment: Variant summary: BMPR1A c.562C>T (p.Arg188Cys) results in a non-conservative amino acid change in the encoded protein sequence. Algorithms developed to predict the effect of missense changes on protein structure and function are either unavailable or do not agree on the potential impact of this missense change. The variant allele was found at a frequency of 8e-06 in 251340 control chromosomes. The available data on variant occurrences in the general population are insufficient to allow any conclusion about variant significance. To our knowledge, no occurrence of c.562C>T in individuals affected with BMPR1A-related conditions and no experimental evidence demonstrating its impact on protein function have been reported. ClinVar contains an entry for this variant (Variation ID: 246466). Based on the evidence outlined above, the variant was classified as uncertain significance.

Labcorp Genetics (formerly Invitae), Labcorp
Classification: Uncertain significance for Juvenile polyposis syndrome. Last evaluated: 2026-01-21. Review status: criteria provided, single submitter. Criteria: Invitae Variant Classification Sherloc (09022015). Collection method: clinical testing. Allele origin: germline.
Comment: This sequence change replaces arginine, which is basic and polar, with cysteine, which is neutral and slightly polar, at codon 188 of the BMPR1A protein (p.Arg188Cys). This variant is present in population databases (no rsID available, gnomAD 0.002%). This variant has not been reported in the literature in individuals affected with BMPR1A-related conditions. ClinVar contains an entry for this variant (Variation ID: 246466). Invitae Evidence Modeling incorporating data from in vitro experimental studies (internal data) indicates that this missense variant is not expected to disrupt BMPR1A function with a negative predictive value of 95%. In summary, the available evidence is currently insufficient to determine the role of this variant in disease. Therefore, it has been classified as a Variant of Uncertain Significance.

Dasa
Classification: Uncertain significance. Last evaluated: 2025-01-13. Review status: criteria provided, single submitter. Criteria: DASA Assertion Criteria. Collection method: clinical testing. Allele origin: germline.
Comment: NM_004329.3(BMPR1A):c.562C>T (p.Arg188Cys) is a missense variant that results in the substitution of arginine with cysteine. This variant is rare in population databases. Computational prediction algorithms are consistent with a benign effect. The currently available literature and clinical evidence are not sufficient to establish a definitive association between this variant and the reported condition. Therefore, this variant is classified as a variant of uncertain significance.

Color Diagnostics, LLC DBA Color Health
Classification: Uncertain significance for Hereditary cancer-predisposing syndrome. Last evaluated: 2024-09-30. Review status: criteria provided, single submitter. Criteria: ACMG Guidelines, 2015. Collection method: clinical testing. Allele origin: germline.
Comment: This missense variant replaces arginine with cysteine at codon 188 of the BMPR1A protein. Computational prediction suggests that this variant may not impact protein structure and function. To our knowledge, functional studies have not been reported for this variant. This variant has not been reported in individuals affected with BMPR1A-related disorders in the literature. This variant has been identified in 2/251340 chromosomes in the general population by the Genome Aggregation Database (gnomAD). The available evidence is insufficient to determine the role of this variant in disease conclusively. Therefore, this variant is classified as a Variant of Uncertain Significance.

Fulgent Genetics
Classification: Uncertain significance for Juvenile polyposis syndrome; Polyposis syndrome, hereditary mixed, 2. Last evaluated: 2024-05-07. Review status: criteria provided, single submitter. Criteria: ACMG Guidelines, 2015. Collection method: clinical testing. Allele origin: germline.

All of Us Research Program, National Institutes of Health
Classification: Uncertain significance for Juvenile polyposis syndrome. Last evaluated: 2024-04-25. Review status: criteria provided, single submitter. Criteria: ACMG Guidelines, 2015. Collection method: clinical testing. Allele origin: germline. Inheritance: Autosomal dominant inheritance. Observed: 7 variant alleles, 7 heterozygotes.
Comment: This missense variant replaces arginine with cysteine at codon 188 of the BMPR1A protein. Computational prediction suggests that this variant may not impact protein structure and function (internally defined REVEL score threshold <= 0.5, PMID: 27666373). To our knowledge, functional studies have not been reported for this variant. This variant has not been reported in individuals affected with BMPR1A-related disorders in the literature. This variant has been identified in 2/251340 chromosomes in the general population by the Genome Aggregation Database (gnomAD). The available evidence is insufficient to determine the role of this variant in disease conclusively. Therefore, this variant is classified as a Variant of Uncertain Significance.

This study involves interpretation of variants in research participants for the purpose of population health screening. Participant phenotype was not available at the time of variant classification. Additional details can be found in publication PMID: 35346344, PMCID: PMC8962531

Baylor Genetics
Classification: Uncertain significance for Polyposis syndrome, hereditary mixed, 2. Last evaluated: 2023-10-22. Review status: criteria provided, single submitter. Criteria: ACMG Guidelines, 2015. Collection method: clinical testing. Allele origin: unknown.

PreventionGenetics, part of Exact Sciences
Classification: Uncertain significance for BMPR1A-related condition. Last evaluated: 2023-08-18. Review status: criteria provided, single submitter. Criteria: ACMG Guidelines, 2015. Collection method: clinical testing. Allele origin: germline.
Comment: The BMPR1A c.562C>T variant is predicted to result in the amino acid substitution p.Arg188Cys. To our knowledge, this variant has not been reported in the literature. This variant is reported in 0.0018% of alleles in individuals of European (Non-Finnish) descent in gnomAD. A different variant affecting the same amino acid (p.Arg188His) was reported in one individual with peritoneum cancer (Table S2, Chan. 2018. PubMed ID: 30093976). In ClinVar, this variant is interpreted as likely benign/uncertain. At this time, the clinical significance of this variant is uncertain due to the absence of conclusive functional and genetic evidence.

Ambry Genetics
Classification: Likely benign for Hereditary cancer-predisposing syndrome. Last evaluated: 2023-04-06. Review status: criteria provided, single submitter. Criteria: Ambry Variant Classification Scheme 2023. Collection method: clinical testing. Allele origin: germline.

GeneDx
Classification: Uncertain significance. Last evaluated: 2022-11-17. Review status: criteria provided, single submitter. Criteria: GeneDx Variant Classification Process June 2021. Collection method: clinical testing. Allele origin: germline. Affected: yes.
Comment: Not observed at significant frequency in large population cohorts (gnomAD); In silico analysis supports that this missense variant does not alter protein structure/function; Has not been previously published as pathogenic or benign to our knowledge

University of Washington Department of Laboratory Medicine, University of Washington
Classification: Likely benign for Hereditary cancer-predisposing syndrome. Last evaluated: 2016-05-17. Review status: criteria provided, single submitter. Criteria: Shirts et al. (Genet Med 2016). Collection method: clinical testing. Allele origin: germline. Affected: yes. Observed: 1 variant allele. Segregation with disease not observed.
Comment: The BMPR1A p.R188C, c.562 C>T variant did not segregate with colon cancer or polyposis in a single large family. Two individuals with no polyps did not have this BMPR1A variant and the majority of indivduals with multiple polyps or colon cancer did not have this variant. Based on this information, the likelihood that BMPR1A p.R188C is associated associated with polyposis is estimated to be less than one in one hundred.